The following is an entry in ClinVar:

NM_001378418.1(TCF20):c.2396C>T (p.Ala799Val)

Gene: TCF20 (transcription factor 20; minus strand). Cytogenetic location: 22q13.2.
Variant type: single nucleotide variant.
Coding change: c.2396C>T on transcript NM_001378418.1 (MANE Select); coding-DNA position 2396, C replaced by T.
Protein change: p.Ala799Val; replaces alanine 799 with valine.
Molecular consequence: missense variant.
Genome position (GRCh38, 1-based): chr22:42,212,910, G>A on the plus strand (C>T on the coding strand, the complement: TCF20 is on the minus strand). VCF-style: chr22-42212910-G-A. GRCh37 (hg19) VCF-style: chr22-42608916-G-A.
Other names: c.2396C>T, p.Ala799Val (NM_005650.4, NM_181492.3); short protein forms A799V.
Identifiers: ClinVar variation 5017467 (VCV005017467.1).

ClinVar aggregate classification (germline): Uncertain significance (1 of 4 stars; one submission).

Submission:

GeneDx
Classification: Uncertain significance. Last evaluated: 2026-03-25. Review status: criteria provided, single submitter. Criteria: GeneDx Variant Classification Process June 2021. Collection method: clinical testing. Allele origin: germline.
Comment: Not observed at significant frequency in large population cohorts (gnomAD); In silico analysis suggests that this missense variant does not alter protein structure/function; Has not been previously published as pathogenic or benign to our knowledge